The following is an entry in ClinVar:

NM_000232.5(SGCB):c.626C>T (p.Thr209Ile)

Gene: SGCB (sarcoglycan beta; minus strand). Cytogenetic location: 4q12.
Variant type: single nucleotide variant.
Coding change: c.626C>T on transcript NM_000232.5 (MANE Select); coding-DNA position 626, C replaced by T.
Protein change: p.Thr209Ile; replaces threonine 209 with isoleucine.
Molecular consequence: missense variant.
Genome position (GRCh38, 1-based): chr4:52,028,095, G>A on the plus strand (C>T on the coding strand, the complement: SGCB is on the minus strand). VCF-style: chr4-52028095-G-A. GRCh37 (hg19) VCF-style: chr4-52894261-G-A.
Other names: short protein forms T209I.
Identifiers: ClinVar variation 1423006 (VCV001423006.6), dbSNP rs2109370086, ClinGen allele CA356876310.

ClinVar aggregate classification (germline): Uncertain significance (1 of 4 stars; one submission).

Conditions:
Autosomal recessive limb-girdle muscular dystrophy type 2E (LGMDR4). Also called: MUSCULAR DYSTROPHY, LIMB-GIRDLE, AUTOSOMAL RECESSIVE 4. Identifiers: Orphanet 119, MedGen C1858593, MONDO:0011423, OMIM 604286. Disease mechanism: Affects gamma-sarcoglycan and also disrupts the integrity of the entire sarcoglycan complex..

Submission:

Labcorp Genetics (formerly Invitae), Labcorp
Classification: Uncertain significance for Autosomal recessive limb-girdle muscular dystrophy type 2E. Last evaluated: 2021-10-25. Review status: criteria provided, single submitter. Criteria: Invitae Variant Classification Sherloc (09022015). Collection method: clinical testing. Allele origin: germline.
Comment: In summary, the available evidence is currently insufficient to determine the role of this variant in disease. Therefore, it has been classified as a Variant of Uncertain Significance. Algorithms developed to predict the effect of missense changes on protein structure and function are either unavailable or do not agree on the potential impact of this missense change (SIFT: "Tolerated"; PolyPhen-2: "Possibly Damaging"; Align-GVGD: "Class C0"). This variant has not been reported in the literature in individuals affected with SGCB-related conditions. This variant is not present in population databases (ExAC no frequency). This sequence change replaces threonine with isoleucine at codon 209 of the SGCB protein (p.Thr209Ile). The threonine residue is highly conserved and there is a moderate physicochemical difference between threonine and isoleucine.